The following is an entry in ClinVar:

ClinVar aggregate classification (germline): Uncertain significance (1 of 4 stars; one submission).

Allele frequency attached by ClinVar (database versions not stated): gnomAD exomes below 0.00001; TOPMed below 0.00001.
gnomAD v4.1: 3 of 1,614,134 alleles (0.00019%); highest among the groups gnomAD compares: Non-Finnish European, 0.00025%; no homozygotes.

Submission:

Labcorp Genetics (formerly Invitae), Labcorp
Classification: Uncertain significance. Last evaluated: 2022-02-20. Review status: criteria provided, single submitter. Criteria: Invitae Variant Classification Sherloc (09022015). Collection method: clinical testing. Allele origin: germline.
Comment: In summary, the available evidence is currently insufficient to determine the role of this variant in disease. Therefore, it has been classified as a Variant of Uncertain Significance. Algorithms developed to predict the effect of missense changes on protein structure and function output the following: SIFT: "Tolerated"; PolyPhen-2: "Possibly Damaging"; Align-GVGD: "Class C0". The aspartic acid amino acid residue is found in multiple mammalian species, which suggests that this missense change does not adversely affect protein function. This variant has not been reported in the literature in individuals affected with CDK5RAP2-related conditions. This variant is not present in population databases (gnomAD no frequency). This sequence change replaces glutamic acid, which is acidic and polar, with aspartic acid, which is acidic and polar, at codon 1048 of the CDK5RAP2 protein (p.Glu1048Asp).

NM_018249.6(CDK5RAP2):c.3144G>T (p.Glu1048Asp)

Gene: CDK5RAP2 (CDK5 regulatory subunit associated protein 2; minus strand). Cytogenetic location: 9q33.2.
Variant type: single nucleotide variant.
Coding change: c.3144G>T on transcript NM_018249.6 (MANE Select); coding-DNA position 3144, G replaced by T.
Protein change: p.Glu1048Asp; replaces glutamic acid 1048 with aspartic acid.
Molecular consequence: missense variant. On other transcripts: non-coding transcript variant (5).
Genome position (GRCh38, 1-based): chr9:120,443,624, C>A on the plus strand (G>T on the coding strand, the complement: CDK5RAP2 is on the minus strand). VCF-style: chr9-120443624-C-A. GRCh37 (hg19) VCF-style: chr9-123205902-C-A.
Other names: c.3144G>T, p.Glu1048Asp (NM_001011649.3); c.2454G>T, p.Glu818Asp (NM_001272039.2); c.3045G>T, p.Glu1015Asp (NM_001410992.1); c.3048G>T, p.Glu1016Asp (NM_001410993.1); c.3141G>T, p.Glu1047Asp (NM_001410994.1); short protein forms E1016D, E818D, E1015D, E1047D, E1048D.
Identifiers: ClinVar variation 1950392 (VCV001950392.5), dbSNP rs1390781086, ClinGen allele CA374722202.
Genomic context (GRCh38, chr9:120,443,624, plus strand): 5'-CAAATGGTGCCTGGCACATGGAAGCTGTTCAATACACACAGGGGCTGAATTCTGACCAAT[C>A]TCGTAGCTTCTTTGCTGATCACTGTCCATTTCCTTGTCTCTCCAGACAGAAGATGTGGTT-3'
Protein context (NP_060719.4, residues 1038-1058): EMDSDQQRSY[Glu1048Asp]IDSEICPPDD